The following is an entry in ClinVar:

NM_001379081.2(FREM1):c.4963G>A (p.Val1655Met)

Gene: FREM1 (FRAS1 related extracellular matrix 1; minus strand). Cytogenetic location: 9p22.3.
Variant type: single nucleotide variant.
Coding change: c.4963G>A on transcript NM_001379081.2 (MANE Select); coding-DNA position 4963, G replaced by A.
Protein change: p.Val1655Met; replaces valine 1655 with methionine.
Molecular consequence: missense variant. On other transcripts: non-coding transcript variant (2).
Genome position (GRCh38, 1-based): chr9:14,770,701, C>T on the plus strand (G>A on the coding strand, the complement: FREM1 is on the minus strand). VCF-style: chr9-14770701-C-T. GRCh37 (hg19) VCF-style: chr9-14770699-C-T.
Other names: c.571G>A, p.Val191Met (NM_001177704.3, NM_001370058.2, NM_001370061.2); c.4963G>A, p.Val1655Met (NM_144966.7); short protein forms V191M, V1655M.
Identifiers: ClinVar variation 787067 (VCV000787067.13), dbSNP rs114410606, ClinGen allele CA4989946.

ClinVar aggregate classification (germline): Likely benign. Review status: criteria provided, multiple submitters, no conflicts (2 of 4 stars). 4 submissions from 4 submitters: Likely benign (3). 1 of the submissions does not count toward it. Last evaluated 2025-12-31.

Conditions:
FREM1-related disorder. Also called: FREM1-Related Disorders; FREM1-related condition.

Allele frequency attached by ClinVar (database versions not stated): ESP Exome Variant Server 0.00270; gnomAD 0.00315; TOPMed 0.00323; 1000 Genomes Project 0.00359; 1000 Genomes Project 30x 0.00406.
gnomAD v4.1: 870 of 1,613,280 alleles (0.054%); highest among the groups gnomAD compares: African/African-American, 1%; 2 homozygotes.

Submissions (4):

Labcorp Genetics (formerly Invitae), Labcorp
Classification: Likely benign. Last evaluated: 2025-12-31. Review status: criteria provided, single submitter. Criteria: Invitae Variant Classification Sherloc (09022015). Collection method: clinical testing. Allele origin: germline.

Blueprint Genetics
Classification: Likely benign. Last evaluated: 2024-09-11. Review status: criteria provided, single submitter. Criteria: ACMG Guidelines, 2015. Collection method: clinical testing. Allele origin: germline.

Breakthrough Genomics
Classification: Likely benign. Review status: criteria provided, single submitter. Criteria: ACMG Guidelines, 2015. Collection method: not provided. Allele origin: germline. Inheritance: Autosomal recessive inheritance. Affected: yes.

PreventionGenetics, part of Exact Sciences
Classification: Benign for FREM1-related condition. Last evaluated: 2019-03-28. Review status: no assertion criteria provided. Collection method: clinical testing. Allele origin: germline. Not counted in ClinVar's aggregate classification.
Comment: This variant is classified as benign based on ACMG/AMP sequence variant interpretation guidelines (Richards et al. 2015 PMID: 25741868, with internal and published modifications).